The following is an entry in ClinVar:

ClinVar aggregate classification (germline): Uncertain significance. Review status: criteria provided, multiple submitters, no conflicts (2 of 4 stars). 2 submissions from 2 submitters: Uncertain significance (2). Last evaluated 2025-08-08.

Conditions:
Hereditary sensory and autonomic neuropathy type 6. Also called: Neuropathy, hereditary sensory and autonomic, type VI; HSAN VI. Identifiers: Orphanet 314381, MedGen C3539003, MONDO:0013839, OMIM 614653.
Epidermolysis bullosa simplex 3, localized or generalized intermediate, with BP230 deficiency (EBS3). Also called: Epidermolysis bullosa simplex due to BP230 deficiency; Epidermolysis bullosa simplex, autosomal recessive 2. Identifiers: Orphanet 412181, MedGen C3809470, MONDO:0014180, OMIM 615425.

Allele frequency attached by ClinVar (database versions not stated): ExAC 0.00002; TOPMed 0.00003; 1000 Genomes Project 0.00020; 1000 Genomes Project 30x 0.00031.
gnomAD v4.1: 104 of 1,604,522 alleles (0.0065%); highest among the groups gnomAD compares: Non-Finnish European, 0.0087%; no homozygotes.

Submissions (2):

Mayo Clinic Laboratories, Mayo Clinic
Classification: Uncertain significance. Last evaluated: 2025-08-08. Review status: criteria provided, single submitter. Criteria: ACMG Guidelines, 2015. Collection method: clinical testing. Allele origin: germline. Observed: 2 variant alleles.

Labcorp Genetics (formerly Invitae), Labcorp
Classification: Uncertain significance for Epidermolysis bullosa simplex 3, localized or generalized intermediate, with BP230 deficiency; Hereditary sensory and autonomic neuropathy type 6. Last evaluated: 2021-10-24. Review status: criteria provided, single submitter. Criteria: Invitae Variant Classification Sherloc (09022015). Collection method: clinical testing. Allele origin: germline.
Comment: This sequence change affects codon 3866 of the DST mRNA. It is a 'silent' change, meaning that it does not change the encoded amino acid sequence of the DST protein. This variant is present in population databases (rs537585034, gnomAD 0.004%). This variant has not been reported in the literature in individuals affected with DST-related conditions. Algorithms developed to predict the effect of sequence changes on RNA splicing suggest that this variant may create or strengthen a splice site. In summary, the available evidence is currently insufficient to determine the role of this variant in disease. Therefore, it has been classified as a Variant of Uncertain Significance. The DST gene has multiple clinically relevant transcripts. This variant occurs in alternate transcript NM_015548.4, and corresponds to NM_001723.5:c.*111421G>A in the primary transcript.

NM_001374736.1(DST):c.19467G>A (p.Ala6489=)

Gene: DST (dystonin; minus strand). Cytogenetic location: 6p12.1.
Variant type: single nucleotide variant.
Coding change: c.19467G>A on transcript NM_001374736.1 (MANE Select); coding-DNA position 19467, G replaced by A.
Protein change: p.Ala6489=; no amino-acid change (alanine 6489 retained).
Molecular consequence: synonymous variant.
Genome position (GRCh38, 1-based): chr6:56,504,096, C>T on the plus strand (G>A on the coding strand, the complement: DST is on the minus strand). VCF-style: chr6-56504096-C-T. GRCh37 (hg19) VCF-style: chr6-56368894-C-T.
Other names: p.Ala3866=; c.13110G>A, p.Ala4370= (NM_001144769.5); c.12696G>A, p.Ala4232= (NM_001144770.2); c.19467G>A, p.Ala6489= (NM_001374722.1); c.18507G>A, p.Ala6169= (NM_001374729.1); c.12249G>A, p.Ala4083= (NM_001374730.1); c.19494G>A, p.Ala6498= (NM_001374734.1); c.12576G>A, p.Ala4192= (NM_001386100.1, NM_183380.4); and 1 more.
Identifiers: ClinVar variation 1481026 (VCV001481026.7), dbSNP rs537585034, ClinGen allele CA3866971.